The following is an entry in ClinVar:

ClinVar aggregate classification (germline): Pathogenic (1 of 4 stars; one submission).

Conditions:
Genetic hearing loss. Also called: Hereditary hearing loss; Hereditary hearing disorder. Identifiers: MedGen C0236038.

Submission:

Women's Health and Genetics/Laboratory Corporation of America, LabCorp
Classification: Pathogenic for Genetic hearing loss. Last evaluated: 2024-06-20. Review status: criteria provided, single submitter. Criteria: LabCorp Variant Classification Summary - May 2015. Collection method: clinical testing. Allele origin: germline.
Comment: Variant summary: COCH c.1046_1049delAGCT (p.Lys349SerfsX7) results in a premature termination codon, predicted to cause a truncation of the encoded protein or absence of the protein due to nonsense mediated decay, which are commonly known mechanisms for disease. The variant allele was found at a frequency of 4e-06 in 251092 control chromosomes. To our knowledge, no occurrence of c.1046_1049delAGCT in individuals affected with Hereditary hearing loss and deafness and no experimental evidence demonstrating its impact on protein function have been reported. No submitters have cited clinical-significance assessments for this variant to ClinVar. Based on the evidence outlined above, the variant was classified as pathogenic.

NM_004086.3(COCH):c.1046_1049del (p.Lys349fs)

Genes: COCH (cochlin; plus strand), COCH-AS1 (COCH antisense RNA 1; minus strand). Cytogenetic location: 14q12.
Variant type: Deletion.
Coding change: c.1046_1049del on transcript NM_004086.3 (MANE Select); coding-DNA positions 1046 to 1049, 4 bases deleted (AGCT; older notation c.1046_1049delAGCT).
Protein change: p.Lys349fs; shifts the reading frame from lysine 349.
Molecular consequence: frameshift variant. On other transcripts: non-coding transcript variant (1).
Genome position (GRCh38, 1-based): chr14:30,885,881-30,885,884, AGCT deleted. VCF-style (leftmost placement, unchanged base first): chr14-30885880-AAGCT-A. GRCh37 (hg19) VCF-style: chr14-31355086-AAGCT-A.
Other names: c.1046_1049del, p.Lys349fs (NM_001135058.2); c.1241_1244del, p.Lys414fs (NM_001347720.2); c.1046_1049delAGCT (NM_004086.3); short protein forms K349fs, K414fs.
Identifiers: ClinVar variation 3339911 (VCV003339911.1).